The following is an entry in ClinVar:

NM_006059.4(LAMC3):c.2618C>T (p.Ser873Leu)

Gene: LAMC3 (laminin subunit gamma 3; plus strand). Cytogenetic location: 9q34.12.
Variant type: single nucleotide variant.
Coding change: c.2618C>T on transcript NM_006059.4 (MANE Select); coding-DNA position 2618, C replaced by T.
Protein change: p.Ser873Leu; replaces serine 873 with leucine.
Molecular consequence: missense variant.
Genome position (GRCh38, 1-based): chr9:131,068,102, C>T. VCF-style: chr9-131068102-C-T. GRCh37 (hg19) VCF-style: chr9-133943489-C-T.
Other names: c.2618C>T (NM_006059.3); short protein forms S873L.
Identifiers: ClinVar variation 1368778 (VCV001368778.6), dbSNP rs150207220, ClinGen allele CA5287516.

ClinVar aggregate classification (germline): Uncertain significance. Review status: criteria provided, multiple submitters, no conflicts (2 of 4 stars). 2 submissions from 2 submitters: Uncertain significance (2). Last evaluated 2026-03-02.

Allele frequency attached by ClinVar (database versions not stated): gnomAD exomes 0.00002; ExAC 0.00003; TOPMed 0.00004; gnomAD 0.00005 and 0.00006; ESP Exome Variant Server 0.00015.
gnomAD v4.1: 33 of 1,612,060 alleles (0.002%); highest among the groups gnomAD compares: Middle Eastern, 0.016%; 1 homozygote.

Submissions (2):

GeneDx
Classification: Uncertain significance. Last evaluated: 2026-03-02. Review status: criteria provided, single submitter. Criteria: GeneDx Variant Classification Process June 2021. Collection method: clinical testing. Allele origin: germline.
Comment: Reported as assumed de novo in a patient with autism; however, a second variant in the LAMC3 gene was not reported (PMID: 35982160, 35982159); In silico analysis suggests that this missense variant does not alter protein structure/function; Not observed at significant frequency in large population cohorts (gnomAD); This variant is associated with the following publications: (PMID: 35982159, 35982160)

Labcorp Genetics (formerly Invitae), Labcorp
Classification: Uncertain significance. Last evaluated: 2021-08-26. Review status: criteria provided, single submitter. Criteria: Invitae Variant Classification Sherloc (09022015). Collection method: clinical testing. Allele origin: germline.
Comment: This sequence change replaces serine with leucine at codon 873 of the LAMC3 protein (p.Ser873Leu). The serine residue is moderately conserved and there is a large physicochemical difference between serine and leucine. This variant is present in population databases (rs150207220, ExAC 0.02%). This variant has not been reported in the literature in individuals affected with LAMC3-related conditions. Algorithms developed to predict the effect of missense changes on protein structure and function are either unavailable or do not agree on the potential impact of this missense change (SIFT: "Deleterious"; PolyPhen-2: "Benign"; Align-GVGD: "Class C0"). In summary, the available evidence is currently insufficient to determine the role of this variant in disease. Therefore, it has been classified as a Variant of Uncertain Significance.